The following is an entry in ClinVar:

NM_014847.4(UBAP2L):c.538G>A (p.Gly180Ser)

Gene: UBAP2L (ubiquitin associated protein 2 like; plus strand). Cytogenetic location: 1q21.3.
Variant type: single nucleotide variant.
Coding change: c.538G>A on transcript NM_014847.4 (MANE Select); coding-DNA position 538, G replaced by A.
Protein change: p.Gly180Ser; replaces glycine 180 with serine.
Molecular consequence: missense variant.
Genome position (GRCh38, 1-based): chr1:154,235,285, G>A. VCF-style: chr1-154235285-G-A. GRCh37 (hg19) VCF-style: chr1-154207761-G-A.
Other names: c.538G>A, p.Gly180Ser (NM_001127320.3, NM_001375614.1, NM_001375615.1 and 14 more transcripts); c.517G>A, p.Gly173Ser (NM_001287815.1); c.571G>A, p.Gly191Ser (NM_001287816.1, NM_001330730.1, NM_001375612.1 and 2 more transcripts); short protein forms G173S, G180S, G191S.
Identifiers: ClinVar variation 4528145 (VCV004528145.1).

ClinVar aggregate classification (germline): Uncertain significance (1 of 4 stars; one submission).

gnomAD v4.1: 1 of 772,230 alleles (0.00013%); highest among the groups gnomAD compares: Non-Finnish European, 0.00024%; no homozygotes.

Submission:

GeneDx
Classification: Uncertain significance. Last evaluated: 2025-05-08. Review status: criteria provided, single submitter. Criteria: GeneDx Variant Classification Process June 2021. Collection method: clinical testing. Allele origin: germline. Affected: yes.
Comment: Not observed at significant frequency in large population cohorts (gnomAD); In silico analysis supports that this missense variant has a deleterious effect on protein structure/function; Has not been previously published as pathogenic or benign to our knowledge